The following is an entry in ClinVar:

NM_000070.3(CAPN3):c.1012G>C (p.Val338Leu)

Gene: CAPN3 (calpain 3; plus strand). Cytogenetic location: 15q15.1.
Variant type: single nucleotide variant.
Coding change: c.1012G>C on transcript NM_000070.3 (MANE Select); coding-DNA position 1012, G replaced by C.
Protein change: p.Val338Leu; replaces valine 338 with leucine.
Molecular consequence: missense variant.
Genome position (GRCh38, 1-based): chr15:42,392,705, G>C. VCF-style: chr15-42392705-G-C. GRCh37 (hg19) VCF-style: chr15-42684903-G-C.
Other names: c.1012G>C, p.Val338Leu (NM_024344.2); c.868G>C, p.Val290Leu (NM_173087.2); short protein forms V290L, V338L.
Identifiers: ClinVar variation 973030 (VCV000973030.5), dbSNP rs771608215, ClinGen allele CA7511216.

ClinVar aggregate classification (germline): Uncertain significance (1 of 4 stars; one submission).

Conditions:
Autosomal recessive limb-girdle muscular dystrophy type 2A (LGMDR1). Also called: Muscular dystrophy, limb-girdle, type 2A, Amish; Limb-girdle muscular dystrophy, type 2A; Calpainopathy; LEYDEN-MOEBIUS MUSCULAR DYSTROPHY; MUSCULAR DYSTROPHY, PELVOFEMORAL. Identifiers: Orphanet 267, MedGen C1869123, MONDO:0009675, OMIM 253600. Disease mechanism: loss of function.

Allele frequency attached by ClinVar (database versions not stated): gnomAD exomes below 0.00001; ExAC 0.00001; TOPMed 0.00001.
gnomAD v4.1: 5 of 1,613,824 alleles (0.00031%); highest among the groups gnomAD compares: African/African-American, 0.004%; no homozygotes.

Submission:

GeneDx
Classification: Uncertain significance. Last evaluated: 2025-04-16. Review status: criteria provided, single submitter. Criteria: GeneDx Variant Classification Process June 2021. Collection method: clinical testing. Allele origin: germline. Affected: yes.
Comment: Not observed at significant frequency in large population cohorts (gnomAD); In silico analysis supports that this missense variant has a deleterious effect on protein structure/function; Has not been previously published as pathogenic or benign to our knowledge